The following is an entry in ClinVar:

NM_006218.4(PIK3CA):c.2911T>G (p.Cys971Gly)

Gene: PIK3CA (phosphatidylinositol-4,5-bisphosphate 3-kinase catalytic subunit alpha; plus strand). Cytogenetic location: 3q26.32.
Variant type: single nucleotide variant.
Coding change: c.2911T>G on transcript NM_006218.4 (MANE Select); coding-DNA position 2911, T replaced by G.
Protein change: p.Cys971Gly; replaces cysteine 971 with glycine.
Molecular consequence: missense variant.
Genome position (GRCh38, 1-based): chr3:179,230,351, T>G. VCF-style: chr3-179230351-T-G. GRCh37 (hg19) VCF-style: chr3-178948139-T-G.
Other names: short protein forms C971G.
Identifiers: ClinVar variation 1797590 (VCV001797590.2), dbSNP rs2108425291, ClinGen allele CA355282100.
Genomic context (GRCh38, chr3:179,230,351, plus strand): 5'-CGTGTGCCATTTGTTTTGACACAGGATTTCTTAATAGTGATTAGTAAAGGAGCCCAAGAA[T>G]GCACAAAGACAAGAGAATTTGAGAGGTGAGCTCGAGCAATTAAAAACACAAAATAAAGAG-3'
Protein context (NP_006209.2, residues 961-981): LIVISKGAQE[Cys971Gly]TKTREFERFQ

ClinVar aggregate classification (germline): Uncertain significance (1 of 4 stars; one submission).

Conditions:
Inborn genetic diseases. Identifiers: MedGen C0950123, MeSH D030342.

Submission:

Ambry Genetics
Classification: Uncertain significance for Inborn genetic diseases. Last evaluated: 2022-03-08. Review status: criteria provided, single submitter. Criteria: Ambry Variant Classification Scheme 2023. Collection method: clinical testing. Allele origin: germline.
Comment: The p.C971G variant (also known as c.2911T>G), located in coding exon 19 of the PIK3CA gene, results from a T to G substitution at nucleotide position 2911. The cysteine at codon 971 is replaced by glycine, an amino acid with highly dissimilar properties. This amino acid position is conserved. In addition, the in silico prediction for this alteration is inconclusive. Since supporting evidence is limited at this time, the clinical significance of this alteration remains unclear.